The following is an entry in ClinVar:

ClinVar aggregate classification (germline): Benign/Likely benign. Review status: criteria provided, multiple submitters, no conflicts (2 of 4 stars). 3 submissions from 3 submitters: Benign (1); Likely benign (2). Last evaluated 2026-09-01.

Allele frequency attached by ClinVar (database versions not stated): ExAC 0.00015; gnomAD 0.00015 and 0.00017; gnomAD exomes 0.00018 and 0.00021; TOPMed 0.00023; ESP Exome Variant Server 0.00038.
gnomAD v4.1: 292 of 1,606,470 alleles (0.018%); highest among the groups gnomAD compares: Admixed American, 0.02%; no homozygotes.

Submissions (3):

CeGaT Center for Human Genetics Tuebingen
Classification: Likely benign. Last evaluated: 2026-09-01. Review status: criteria provided, single submitter. Criteria: CeGaT Center For Human Genetics Tuebingen Variant Classification Criteria Version 2. Collection method: clinical testing. Allele origin: germline. Affected: yes. Observed: 2 variant alleles.
Comment: ATP6V1A: BP4, BP7

Labcorp Genetics (formerly Invitae), Labcorp
Classification: Benign. Last evaluated: 2026-01-02. Review status: criteria provided, single submitter. Criteria: Invitae Variant Classification Sherloc (09022015). Collection method: clinical testing. Allele origin: germline.

Blueprint Genetics
Classification: Likely benign. Last evaluated: 2024-11-20. Review status: criteria provided, single submitter. Criteria: ACMG Guidelines, 2015. Collection method: clinical testing. Allele origin: germline.

NM_001690.4(ATP6V1A):c.1791C>A (p.Ile597=)

Gene: ATP6V1A (ATPase H+ transporting V1 subunit A; plus strand). Cytogenetic location: 3q13.31.
Variant type: single nucleotide variant.
Coding change: c.1791C>A on transcript NM_001690.4 (MANE Select); coding-DNA position 1791, C replaced by A.
Protein change: p.Ile597=; no amino-acid change (isoleucine 597 retained).
Molecular consequence: synonymous variant.
Genome position (GRCh38, 1-based): chr3:113,809,364, C>A. VCF-style: chr3-113809364-C-A. GRCh37 (hg19) VCF-style: chr3-113528211-C-A.
Identifiers: ClinVar variation 1536044 (VCV001536044.11), dbSNP rs149804500, ClinGen allele CA2548168.
Genomic context (GRCh38, chr3:113,809,364, plus strand): 5'-TGCGAGTTGAATTTGTAATGTCTTCTTTCAGGATCCACTGAAAGATGGTGAGGCAAAGAT[C>A]AAAAGCGACTATGCACAACTTCTTGAAGACATGCAGAATGCATTCCGTAGCCTTGAAGAT-3'
Protein context (NP_001681.2, residues 587-607): KDPLKDGEAK[Ile597=]KSDYAQLLED